The following is an entry in ClinVar:

NM_017755.6(NSUN2):c.785A>G (p.Tyr262Cys)

Gene: NSUN2 (NOP2/Sun RNA methyltransferase 2; minus strand). Cytogenetic location: 5p15.31.
Variant type: single nucleotide variant.
Coding change: c.785A>G on transcript NM_017755.6 (MANE Select); coding-DNA position 785, A replaced by G.
Protein change: p.Tyr262Cys; replaces tyrosine 262 with cysteine.
Molecular consequence: missense variant. On other transcripts: non-coding transcript variant (1).
Genome position (GRCh38, 1-based): chr5:6,620,136, T>C on the plus strand (A>G on the coding strand, the complement: NSUN2 is on the minus strand). VCF-style: chr5-6620136-T-C. GRCh37 (hg19) VCF-style: chr5-6620249-T-C.
Other names: c.680A>G, p.Tyr227Cys (NM_001193455.2); short protein forms Y227C, Y262C.
Identifiers: ClinVar variation 1520319 (VCV001520319.4), dbSNP rs771349258, ClinGen allele CA3192676.

ClinVar aggregate classification (germline): Uncertain significance. Review status: criteria provided, multiple submitters, no conflicts (2 of 4 stars). 2 submissions from 2 submitters: Uncertain significance (2). Last evaluated 2022-06-05.

Allele frequency attached by ClinVar (database versions not stated): TOPMed 0.00002; gnomAD 0.00003 and 0.00004.
gnomAD v4.1: 12 of 1,605,668 alleles (0.00075%); highest among the groups gnomAD compares: Non-Finnish European, 0.001%; no homozygotes.

Submissions (2):

Labcorp Genetics (formerly Invitae), Labcorp
Classification: Uncertain significance. Last evaluated: 2022-06-05. Review status: criteria provided, single submitter. Criteria: Invitae Variant Classification Sherloc (09022015). Collection method: clinical testing. Allele origin: germline.
Comment: This sequence change replaces tyrosine, which is neutral and polar, with cysteine, which is neutral and slightly polar, at codon 262 of the NSUN2 protein (p.Tyr262Cys). This variant is present in population databases (rs771349258, gnomAD 0.005%). This variant has not been reported in the literature in individuals affected with NSUN2-related conditions. ClinVar contains an entry for this variant (Variation ID: 1520319). Algorithms developed to predict the effect of missense changes on protein structure and function are either unavailable or do not agree on the potential impact of this missense change (SIFT: "Deleterious"; PolyPhen-2: "Probably Damaging"; Align-GVGD: "Class C0"). In summary, the available evidence is currently insufficient to determine the role of this variant in disease. Therefore, it has been classified as a Variant of Uncertain Significance.

Blueprint Genetics
Classification: Uncertain significance. Last evaluated: 2022-05-13. Review status: criteria provided, single submitter. Criteria: ACMG Guidelines, 2015. Collection method: clinical testing. Allele origin: germline.